The following is an entry in ClinVar:

ClinVar aggregate classification (germline): Likely benign. Review status: reviewed by expert panel (3 of 4 stars). 2 submissions from 2 submitters: Likely benign (1). 1 of the submissions does not count toward it. Last evaluated 2025-01-09.

Conditions:
Autosomal recessive limb-girdle muscular dystrophy type 2E (LGMDR4). Also called: MUSCULAR DYSTROPHY, LIMB-GIRDLE, AUTOSOMAL RECESSIVE 4. Identifiers: Orphanet 119, MedGen C1858593, MONDO:0011423, OMIM 604286. Disease mechanism: Affects gamma-sarcoglycan and also disrupts the integrity of the entire sarcoglycan complex..
Autosomal recessive limb-girdle muscular dystrophy. Identifiers: Orphanet 102015, MedGen C2931907, MONDO:0015152.

Allele frequency attached by ClinVar (database versions not stated): ExAC 0.00002; gnomAD exomes 0.00002 and 0.00004; TOPMed 0.00002.
gnomAD v4.1: 12 of 1,613,866 alleles (0.00074%); highest among the groups gnomAD compares: Admixed American, 0.02%; no homozygotes.

Submissions (2):

ClinGen Limb Girdle Muscular Dystrophy Variant Curation Expert Panel, ClinGen
Classification: Likely benign for Autosomal recessive limb-girdle muscular dystrophy. Last evaluated: 2025-01-09. Review status: reviewed by expert panel. Criteria: ClinGen LGMD VCEP ACMG Specifications SGCB V1.0.0. Collection method: curation. Allele origin: germline. Inheritance: Autosomal recessive inheritance.
Comment: The NM_000232.5: c.744G>A (p.Glu248=) variant in SGCB is a synonymous (silent) variant that is not predicted to influence splicing by SpliceAI (score 0) (BP4, BP7). The highest population minor allele frequency in gnomAD v2.1.1 is 0.0002892 (10/34578 alleles) in the Admixed American population (PM2_Supporting, BS1, BA1 not met). In summary, this variant meets the criteria to be classified as Likely Benign for autosomal recessive limb girdle muscular dystrophy based on the ACMG/AMP criteria applied, as specified by the ClinGen LGMD VCEP (LGMD VCEP specifications version 1.0.0; 01/09/2025): BP4, BP7.

Labcorp Genetics (formerly Invitae), Labcorp
Classification: Likely benign for Autosomal recessive limb-girdle muscular dystrophy type 2E. Last evaluated: 2024-05-07. Review status: criteria provided, single submitter. Criteria: Invitae Variant Classification Sherloc (09022015). Collection method: clinical testing. Allele origin: germline. Not counted in ClinVar's aggregate classification.

NM_000232.5(SGCB):c.744G>A (p.Glu248=)

Gene: SGCB (sarcoglycan beta; minus strand). Cytogenetic location: 4q12.
Variant type: single nucleotide variant.
Coding change: c.744G>A on transcript NM_000232.5 (MANE Select); coding-DNA position 744, G replaced by A.
Protein change: p.Glu248=; no amino-acid change (glutamic acid 248 retained).
Molecular consequence: synonymous variant.
Genome position (GRCh38, 1-based): chr4:52,027,977, C>T on the plus strand (G>A on the coding strand, the complement: SGCB is on the minus strand). VCF-style: chr4-52027977-C-T. GRCh37 (hg19) VCF-style: chr4-52894143-C-T.
Other names: NM_000232.5(SGCB):c.744G>A; p.Glu248=.
Identifiers: ClinVar variation 771962 (VCV000771962.12), dbSNP rs778608103, ClinGen allele CA2918306.